The following is an entry in ClinVar:

NM_005228.5(EGFR):c.433C>A (p.His145Asn)

Gene: EGFR (epidermal growth factor receptor; plus strand). Cytogenetic location: 7p11.2.
Variant type: single nucleotide variant.
Coding change: c.433C>A on transcript NM_005228.5 (MANE Select); coding-DNA position 433, C replaced by A.
Protein change: p.His145Asn; replaces histidine 145 with asparagine.
Molecular consequence: missense variant. On other transcripts: intron variant (3).
Genome position (GRCh38, 1-based): chr7:55,146,614, C>A. VCF-style: chr7-55146614-C-A. GRCh37 (hg19) VCF-style: chr7-55214307-C-A.
Other names: c.433C>A (NM_005228.3); c.433C>A, p.His145Asn (NM_001346898.2, NM_201282.2, NM_201283.2 and 1 more transcripts); c.274C>A, p.His92Asn (NM_001346900.2); c.424+3126C>A (NM_001346899.2, NM_001346897.2); c.89-9216C>A (NM_001346941.2); short protein forms H145N, H92N.
Identifiers: ClinVar variation 1060465 (VCV001060465.10), dbSNP rs1198703773, ClinGen allele CA367576478.

ClinVar aggregate classification (germline): Conflicting classifications of pathogenicity. Review status: criteria provided, conflicting classifications (1 of 4 stars). 2 submissions from 2 submitters: Uncertain significance (1); Likely benign (1). Last evaluated 2025-10-29.

Conditions:
EGFR-related lung cancer (EGFR). Identifiers: MedGen CN130014.
Hereditary cancer-predisposing syndrome. Also called: Neoplastic Syndromes, Hereditary; Hereditary Cancer Syndrome; Hereditary neoplastic syndrome; Tumor predisposition. Identifiers: Orphanet 140162, MedGen C0027672, MeSH D009386, MONDO:0015356.

Allele frequency attached by ClinVar (database versions not stated): gnomAD 0.00001; gnomAD exomes 0.00001; TOPMed 0.00001.
gnomAD v4.1: 14 of 1,614,010 alleles (0.00087%); highest among the groups gnomAD compares: Non-Finnish European, 0.0012%; no homozygotes.

Submissions (2):

Labcorp Genetics (formerly Invitae), Labcorp
Classification: Uncertain significance for EGFR-related lung cancer. Last evaluated: 2025-10-29. Review status: criteria provided, single submitter. Criteria: Invitae Variant Classification Sherloc (09022015). Collection method: clinical testing. Allele origin: germline.
Comment: This sequence change replaces histidine, which is basic and polar, with asparagine, which is neutral and polar, at codon 145 of the EGFR protein (p.His145Asn). This variant is not present in population databases (gnomAD no frequency). This variant has not been reported in the literature in individuals affected with EGFR-related conditions. ClinVar contains an entry for this variant (Variation ID: 1060465). An algorithm developed to predict the effect of missense changes on protein structure and function (PolyPhen-2) suggests that this variant is likely to be tolerated. In summary, the available evidence is currently insufficient to determine the role of this variant in disease. Therefore, it has been classified as a Variant of Uncertain Significance.

Ambry Genetics
Classification: Likely benign for Hereditary cancer-predisposing syndrome. Last evaluated: 2025-08-21. Review status: criteria provided, single submitter. Criteria: Ambry Variant Classification Scheme 2023. Collection method: clinical testing. Allele origin: germline.